The following is an entry in ClinVar:

ClinVar aggregate classification (germline): Pathogenic/Likely pathogenic. Review status: criteria provided, multiple submitters, no conflicts (2 of 4 stars). 2 submissions from 2 submitters: Pathogenic (1); Likely pathogenic (1). Last evaluated 2019-07-06.

Conditions:
Maturity-onset diabetes of the young (MODY). Also called: Maturity onset diabetes mellitus in young. Identifiers: Orphanet 552, MedGen C0342276, MONDO:0018911, HP:0004904.
Renal cysts and diabetes syndrome (RCAD). Also called: Familial hypoplastic, glomerulocystic kidney; MATURITY-ONSET DIABETES OF THE YOUNG, TYPE 5. Identifiers: Orphanet 93111, MedGen C0431693, MONDO:0007669, OMIM 137920.

Submissions (2):

Institute of Human Genetics, FAU Erlangen, Friedrich-Alexander-Universität Erlangen-Nürnberg
Classification: Pathogenic for Renal cysts and diabetes syndrome. Last evaluated: 2019-07-06. Review status: criteria provided, single submitter. Criteria: ACMG Guidelines, 2015. Collection method: literature only. Allele origin: germline. Affected: yes.
Comment: This variant and it's classification has been reported by Vasileiou et al. 2019; DOI:10.1101/576918. The variants has previously been reported in PMID:28420700 as "c.719_720dup,p.Ala241fs" with clinical significance Pathogenic. It has been re-classified using InterVar and manual curation as Pathogenic based on PVS1 PM2 PP3.

Clinical Genomics, Uppaluri K&H Personalized Medicine Clinic
Classification: Likely pathogenic for Maturity-onset diabetes of the young. Review status: criteria provided, single submitter. Criteria: K & H Uppaluri Personalized Medicine Clinic Variant Classification & Assertion Criteria_Updated V.1. Collection method: research. Allele origin: unknown. Inheritance: Autosomal dominant inheritance.
Comment: HNF1B gene mutations are associated with early onset diabetes and pancreatic atrophy. It is also associated with multiple renal manifestations including renal cysts, Tubulointerstitial disease, glomerulocystic disease, renal hypoplasia, hypomagnesemia. However no sufficient evidence is found to ascertain the role of this particular variant rs1598842886, yet.

Literature cited by the submitters: PubMed 28420700 (cited by Institute of Human Genetics, FAU Erlangen, Friedrich-Alexander-Universität Erlangen-Nürnberg); DOI 10.1101/576918 (cited by Institute of Human Genetics, FAU Erlangen, Friedrich-Alexander-Universität Erlangen-Nürnberg); PubMed 24897035 (cited by Clinical Genomics, Uppaluri K&H Personalized Medicine Clinic); PubMed 25536396 (cited by Clinical Genomics, Uppaluri K&H Personalized Medicine Clinic); PubMed 27615128 (cited by Clinical Genomics, Uppaluri K&H Personalized Medicine Clinic); PubMed 28215227 (cited by Clinical Genomics, Uppaluri K&H Personalized Medicine Clinic); PubMed 33434175 (cited by Clinical Genomics, Uppaluri K&H Personalized Medicine Clinic); PubMed 25741167 (cited by Clinical Genomics, Uppaluri K&H Personalized Medicine Clinic); PubMed 26340261 (cited by Clinical Genomics, Uppaluri K&H Personalized Medicine Clinic); PubMed 19639018 (cited by Clinical Genomics, Uppaluri K&H Personalized Medicine Clinic).

NM_000458.4(HNF1B):c.719_720dup (p.Ala241fs)

Genes: HNF1B (HNF1 homeobox B; minus strand), LOC126862549 (BRD4-independent group 4 enhancer GRCh37_chr17:36093401-36094600; plus strand). Cytogenetic location: 17q12.
Variant type: Duplication.
Coding change: c.719_720dup on transcript NM_000458.4 (MANE Select); coding-DNA positions 719 to 720, 2 bases duplicated (CC; older notation c.719_720dupCC).
Protein change: p.Ala241fs; shifts the reading frame from alanine 241.
Molecular consequence: frameshift variant.
Genome position (GRCh38, 1-based): chr17:37,733,646-37,733,647, GG duplicated on the plus strand (CC on the coding strand, the reverse complement: HNF1B is on the minus strand); duplicating any 2 consecutive bases within chr17:37,733,646-37,733,648 gives the same sequence; the c. name uses the placement nearest the transcript's 3' end. VCF-style (leftmost placement, unchanged base first): chr17-37733645-C-CGG. GRCh37 (hg19) VCF-style: chr17-36093638-C-CGG.
Other names: c.641_642dup, p.Ala215fs (NM_001165923.4, NM_001304286.2); short protein forms A215fs, A241fs.
Identifiers: ClinVar variation 635657 (VCV000635657.2), dbSNP rs1598842886, ClinGen allele CA913190780.
Genomic context (GRCh38, chr17:37,733,645, plus strand): 5'-TCTCTTCCTTGCTGGGGTTCTTTTGCCGATCGTAGGCCTGGTACAAGATTTGCTGGGACG[C>CGG]GGGCCCCCATTTGAACCGGTTGCGGCGCATCTTCTTGTTGGTGGGCTCAGAGCAGGCATC-3'